The following is an entry in ClinVar:

ClinVar aggregate classification (germline): Uncertain significance (1 of 4 stars; one submission).

Submission:

Labcorp Genetics (formerly Invitae), Labcorp
Classification: Uncertain significance. Last evaluated: 2025-01-23. Review status: criteria provided, single submitter. Criteria: Invitae Variant Classification Sherloc (09022015). Collection method: clinical testing. Allele origin: germline.
Comment: This sequence change creates a premature translational stop signal (p.Leu324Trpfs*42) in the TBX20 gene. While this is not anticipated to result in nonsense mediated decay, it is expected to disrupt the last 124 amino acid(s) of the TBX20 protein. This variant is not present in population databases (gnomAD no frequency). This variant has not been reported in the literature in individuals affected with TBX20-related conditions. Experimental studies and prediction algorithms are not available or were not evaluated, and the functional significance of this variant is currently unknown. In summary, the available evidence is currently insufficient to determine the role of this variant in disease. Therefore, it has been classified as a Variant of Uncertain Significance.

NM_001077653.2(TBX20):c.971del (p.Leu324fs)

Gene: TBX20 (T-box transcription factor 20; minus strand). Cytogenetic location: 7p14.2.
Variant type: Deletion.
Coding change: c.971del on transcript NM_001077653.2 (MANE Select); coding-DNA position 971, one base deleted (T; older notation c.971delT).
Protein change: p.Leu324fs; shifts the reading frame from leucine 324.
Molecular consequence: frameshift variant.
Genome position (GRCh38, 1-based): chr7:35,204,502, A deleted on the plus strand (T on the coding strand, the reverse complement: TBX20 is on the minus strand); the first of 2 consecutive A bases (chr7:35,204,502-35,204,503); deleting either gives the same sequence. VCF-style (leftmost placement, unchanged base first): chr7-35204501-CA-C. GRCh37 (hg19) VCF-style: chr7-35244113-CA-C.
Other names: short protein forms L324fs.
Identifiers: ClinVar variation 3729460 (VCV003729460.2).